The following is an entry in ClinVar:

ClinVar aggregate classification (germline): Uncertain significance (1 of 4 stars; one submission).

Conditions:
Hereditary cancer-predisposing syndrome. Also called: Neoplastic Syndromes, Hereditary; Tumor predisposition; Hereditary Cancer Syndrome; Hereditary neoplastic syndrome. Identifiers: Orphanet 140162, MedGen C0027672, MeSH D009386, MONDO:0015356.

Submission:

Ambry Genetics
Classification: Uncertain significance for Hereditary cancer-predisposing syndrome. Last evaluated: 2026-01-05. Review status: criteria provided, single submitter. Criteria: Ambry Variant Classification Scheme 2023. Collection method: clinical testing. Allele origin: germline.
Comment: The p.N103K variant (also known as c.309C>A), located in coding exon 3 of the SMARCB1 gene, results from a C to A substitution at nucleotide position 309. The asparagine at codon 103 is replaced by lysine, an amino acid with similar properties. This amino acid position is conserved. In addition, this alteration is predicted to be tolerated by in silico analysis. Based on the available evidence, the clinical significance of this variant remains unclear.

NM_003073.5(SMARCB1):c.309C>A (p.Asn103Lys)

Gene: SMARCB1 (SWI/SNF related BAF chromatin remodeling complex subunit B1; plus strand). Cytogenetic location: 22q11.23.
Variant type: single nucleotide variant.
Coding change: c.309C>A on transcript NM_003073.5 (MANE Select); coding-DNA position 309, C replaced by A.
Protein change: p.Asn103Lys; replaces asparagine 103 with lysine.
Molecular consequence: missense variant.
Genome position (GRCh38, 1-based): chr22:23,793,635, C>A. VCF-style: chr22-23793635-C-A. GRCh37 (hg19) VCF-style: chr22-24135822-C-A.
Other names: c.282C>A, p.Asn94Lys (NM_001007468.3, NM_001317946.2); c.309C>A, p.Asn103Lys (NM_001362877.2); short protein forms N94K, N103K.
Identifiers: ClinVar variation 4843404 (VCV004843404.1).